The following is an entry in ClinVar:

ClinVar aggregate classification (germline): Likely benign. Review status: criteria provided, multiple submitters, no conflicts (2 of 4 stars). 2 submissions from 2 submitters: Likely benign (2). Last evaluated 2025-07-30.

Allele frequency attached by ClinVar (database versions not stated): TOPMed 0.00003; gnomAD 0.00005.
gnomAD v4.1: 47 of 1,614,026 alleles (0.0029%); highest among the groups gnomAD compares: Middle Eastern, 0.016%; no homozygotes.

Submissions (2):

Labcorp Genetics (formerly Invitae), Labcorp
Classification: Likely benign. Last evaluated: 2025-07-30. Review status: criteria provided, single submitter. Criteria: Invitae Variant Classification Sherloc (09022015). Collection method: clinical testing. Allele origin: germline.

CeGaT Center for Human Genetics Tuebingen
Classification: Likely benign. Last evaluated: 2024-06-01. Review status: criteria provided, single submitter. Criteria: CeGaT Center For Human Genetics Tuebingen Variant Classification Criteria Version 2. Collection method: clinical testing. Allele origin: germline. Affected: yes. Observed: 1 variant allele.
Comment: TOP3A: BP4, BP7

NM_004618.5(TOP3A):c.1308T>C (p.Phe436=)

Gene: TOP3A (DNA topoisomerase III alpha; minus strand). Cytogenetic location: 17p11.2.
Variant type: single nucleotide variant.
Coding change: c.1308T>C on transcript NM_004618.5 (MANE Select); coding-DNA position 1308, T replaced by C.
Protein change: p.Phe436=; no amino-acid change (phenylalanine 436 retained).
Molecular consequence: synonymous variant.
Genome position (GRCh38, 1-based): chr17:18,291,001, A>G on the plus strand (T>C on the coding strand, the complement: TOP3A is on the minus strand). VCF-style: chr17-18291001-A-G. GRCh37 (hg19) VCF-style: chr17-18194315-A-G.
Other names: c.1023T>C, p.Phe341= (NM_001320759.2).
Identifiers: ClinVar variation 2898055 (VCV002898055.21), dbSNP rs200538529, ClinGen allele CA8429943.
Genomic context (GRCh38, chr17:18,291,001, plus strand): 5'-CACTGTGGTCTCCTGCCCCTGAGCATCCTGGGAGCAGCAAGCCAGGAAATGGCGAACAAT[A>G]AACTCGTACAGTCGCTGTTCATCTCCCTAGGAAGAAAAGAGGAGTACGAAACTCCCCCTA-3'
Protein context (NP_004609.1, residues 426-446): LQGDEQRLYE[Phe436=]IVRHFLACCS